The following is an entry in ClinVar:

NM_001283009.2(RTEL1):c.3110-2A>T

Genes: RTEL1 (regulator of telomere elongation helicase 1; plus strand), RTEL1-TNFRSF6B (RTEL1-TNFRSF6B readthrough (NMD candidate); plus strand). Cytogenetic location: 20q13.33.
Variant type: single nucleotide variant.
Coding change: c.3110-2A>T on transcript NM_001283009.2 (MANE Select); the canonical splice acceptor site of the intron before coding-DNA position 3110, A replaced by T.
Molecular consequence: splice acceptor variant.
Genome position (GRCh38, 1-based): chr20:63,694,739, A>T. VCF-style: chr20-63694739-A-T. GRCh37 (hg19) VCF-style: chr20-62326092-A-T.
Other names: c.2441-2A>T (NM_001283010.1); c.3182-2A>T (NM_032957.5); c.3110-2A>T (NM_016434.4).
Identifiers: ClinVar variation 551868 (VCV000551868.12), dbSNP rs377461417, ClinGen allele CA317527988.
Genomic context (GRCh38, chr20:63,694,739, plus strand): 5'-GGCGGTGGGACTCTCAGTCCTCCACCCCAGCGCCACTCTGAGCCATGCTACTCCCACACC[A>T]GGAGACCCTGGCAGCCAACCACAGTGGGGGTCTGGAGTGCCCAGAGCAGGGAAGCAGGGC-3'

ClinVar aggregate classification (germline): Pathogenic/Likely pathogenic. Review status: criteria provided, multiple submitters, no conflicts (2 of 4 stars). 4 submissions from 4 submitters: Pathogenic (1); Likely pathogenic (2). 1 of the submissions does not count toward it. Last evaluated 2025-09-19.

Conditions:
Dyskeratosis congenita. Identifiers: Orphanet 1775, MedGen C0265965, MONDO:0015780.
Dyskeratosis congenita, autosomal recessive 5 (DKCB5). Identifiers: MedGen C3554656, MONDO:0014076, OMIM 615190.
Pulmonary fibrosis and/or bone marrow failure, Telomere-related, 3. Also called: PULMONARY FIBROSIS AND/OR BONE MARROW FAILURE SYNDROME, TELOMERE-RELATED, 3. Identifiers: Orphanet 2032, MedGen C4225346, MONDO:0014613, OMIM 616373.

Allele frequency attached by ClinVar (database versions not stated): TOPMed 0.00003; gnomAD 0.00006; ESP Exome Variant Server 0.00008.
gnomAD v4.1: 8 of 1,598,490 alleles (0.0005%); highest among the groups gnomAD compares: African/African-American, 0.011%; no homozygotes.

Submissions (4):

Natera, Inc.
Classification: Likely pathogenic for Dyskeratosis congenita. Last evaluated: 2025-09-19. Review status: criteria provided, single submitter. Criteria: Natera Variant Classification Schema (03/2026). Collection method: clinical testing. Allele origin: germline.
Comment: The c.3182-2A>T variant in RTEL1 is a canonical splice acceptor site variant predicted to affect pre-mRNA splicing, which may result in an abnormal transcript and altered protein product. This variant may result in a truncated or dysfunctional protein product. This variant is rare in the general population with a frequency below the threshold expected for the associated phenotype(s). Another variant at this same site results in an alteration predicted to cause a similar molecular effect has been observed in individual(s) with the associated phenotype. Given the available evidence, this variant is classified as Likely Pathogenic.

Labcorp Genetics (formerly Invitae), Labcorp
Classification: Likely pathogenic for Dyskeratosis congenita, autosomal recessive 5; Pulmonary fibrosis and/or bone marrow failure, Telomere-related, 3. Last evaluated: 2025-07-19. Review status: criteria provided, single submitter. Criteria: Invitae Variant Classification Sherloc (09022015). Collection method: clinical testing. Allele origin: germline.
Comment: This sequence change affects an acceptor splice site in intron 31 of the RTEL1 gene. It is expected to disrupt RNA splicing. Variants that disrupt the donor or acceptor splice site typically lead to a loss of protein function (PMID: 16199547), and loss-of-function variants in RTEL1 are known to be pathogenic (PMID: 23453664, 23959892, 25607374). The frequency data for this variant in the population databases is considered unreliable, as metrics indicate poor data quality at this position in the gnomAD database. This variant has not been reported in the literature in individuals affected with RTEL1-related conditions. ClinVar contains an entry for this variant (Variation ID: 551868). Algorithms developed to predict the effect of sequence changes on RNA splicing suggest that this variant may disrupt the consensus splice site. In summary, the currently available evidence indicates that the variant is pathogenic, but additional data are needed to prove that conclusively. Therefore, this variant has been classified as Likely Pathogenic.

Baylor Genetics
Classification: Pathogenic for Dyskeratosis congenita, autosomal recessive 5. Last evaluated: 2023-08-14. Review status: criteria provided, single submitter. Criteria: ACMG Guidelines, 2015. Collection method: clinical testing. Allele origin: unknown.

Counsyl
Classification: Likely pathogenic for Dyskeratosis congenita, autosomal recessive 5. Last evaluated: 2017-05-10. Review status: no assertion criteria provided. Collection method: clinical testing. Allele origin: unknown. Not counted in ClinVar's aggregate classification.

Literature cited by the submitters: PubMed 16199547 (cited by Labcorp Genetics (formerly Invitae), Labcorp); PubMed 23453664 (cited by Labcorp Genetics (formerly Invitae), Labcorp); PubMed 23959892 (cited by Labcorp Genetics (formerly Invitae), Labcorp); PubMed 25607374 (cited by Labcorp Genetics (formerly Invitae), Labcorp).